The following is an entry in ClinVar:

NM_002485.5(NBN):c.1383G>A (p.Pro461=)

Gene: NBN (nibrin; minus strand). Cytogenetic location: 8q21.3.
Variant type: single nucleotide variant.
Coding change: c.1383G>A on transcript NM_002485.5 (MANE Select); coding-DNA position 1383, G replaced by A.
Protein change: p.Pro461=; no amino-acid change (proline 461 retained).
Molecular consequence: synonymous variant.
Genome position (GRCh38, 1-based): chr8:89,955,297, C>T on the plus strand (G>A on the coding strand, the complement: NBN is on the minus strand). VCF-style: chr8-89955297-C-T. GRCh37 (hg19) VCF-style: chr8-90967525-C-T.
Other names: c.1137G>A, p.Pro379= (NM_001024688.3).
Identifiers: ClinVar variation 363914 (VCV000363914.24), dbSNP rs886063169, ClinGen allele CA10631749.

ClinVar aggregate classification (germline): Conflicting classifications of pathogenicity. Review status: criteria provided, conflicting classifications (1 of 4 stars). 5 submissions from 5 submitters: Uncertain significance (1); Likely benign (4). Last evaluated 2024-02-25.

Conditions:
Microcephaly, normal intelligence and immunodeficiency (NBS). Also called: Ataxia telangiectasia variant V1; Immunodeficiency, microcephaly with normal intelligence; IMMUNODEFICIENCY, MICROCEPHALY, AND CHROMOSOMAL INSTABILITY; SEEMANOVA SYNDROME II; Nijmegen breakage syndrome; Microcephaly with normal intelligence immunodeficiency and lymphoreticular malignancies. Identifiers: Orphanet 647, MedGen C0398791, MONDO:0009623, OMIM 251260.
Hereditary cancer-predisposing syndrome. Also called: Neoplastic Syndromes, Hereditary; Tumor predisposition; Hereditary Cancer Syndrome; Hereditary neoplastic syndrome. Identifiers: Orphanet 140162, MedGen C0027672, MeSH D009386, MONDO:0015356.

Allele frequency attached by ClinVar (database versions not stated): TOPMed below 0.00001; gnomAD exomes 0.00001.
gnomAD v4.1: 10 of 1,613,160 alleles (0.00062%); highest among the groups gnomAD compares: South Asian, 0.0033%; no homozygotes.

Submissions (5):

Labcorp Genetics (formerly Invitae), Labcorp
Classification: Likely benign for Microcephaly, normal intelligence and immunodeficiency. Last evaluated: 2024-02-25. Review status: criteria provided, single submitter. Criteria: Invitae Variant Classification Sherloc (09022015). Collection method: clinical testing. Allele origin: germline.

Genome-Nilou Lab
Classification: Likely benign for Microcephaly, normal intelligence and immunodeficiency. Last evaluated: 2021-11-07. Review status: criteria provided, single submitter. Criteria: ACMG Guidelines, 2015. Collection method: clinical testing. Allele origin: germline. Affected: no.

Illumina Laboratory Services, Illumina
Classification: Uncertain significance for Microcephaly, normal intelligence and immunodeficiency. Last evaluated: 2018-01-13. Review status: criteria provided, single submitter. Criteria: ICSL Variant Classification Criteria 13 December 2019. Collection method: clinical testing. Allele origin: germline.

GeneDx
Classification: Likely benign. Last evaluated: 2016-05-17. Review status: criteria provided, single submitter. Criteria: GeneDx Variant Classification (06012015). Collection method: clinical testing. Allele origin: germline. Affected: yes.
Comment: This variant is considered likely benign or benign based on one or more of the following criteria: it is a conservative change, it occurs at a poorly conserved position in the protein, it is predicted to be benign by multiple in silico algorithms, and/or has population frequency not consistent with disease.

Ambry Genetics
Classification: Likely benign for Hereditary cancer-predisposing syndrome. Last evaluated: 2016-01-18. Review status: criteria provided, single submitter. Criteria: Ambry Variant Classification Scheme 2023. Collection method: clinical testing. Allele origin: germline.